The following is an entry in ClinVar:

NM_000283.4(PDE6B):c.20A>G (p.Gln7Arg)

Gene: PDE6B (phosphodiesterase 6B; plus strand). Cytogenetic location: 4p16.3.
Variant type: single nucleotide variant.
Coding change: c.20A>G on transcript NM_000283.4 (MANE Select); coding-DNA position 20, A replaced by G.
Protein change: p.Gln7Arg; replaces glutamine 7 with arginine.
Molecular consequence: missense variant.
Genome position (GRCh38, 1-based): chr4:625,646, A>G. VCF-style: chr4-625646-A-G. GRCh37 (hg19) VCF-style: chr4-619435-A-G.
Other names: c.20A>G, p.Gln7Arg (NM_001145291.2); short protein forms Q7R.
Identifiers: ClinVar variation 3712003 (VCV003712003.2).

ClinVar aggregate classification (germline): Uncertain significance (1 of 4 stars; one submission).

gnomAD v4.1: 7 of 1,613,464 alleles (0.00043%); highest among the groups gnomAD compares: South Asian, 0.0066%; no homozygotes.

Submission:

Labcorp Genetics (formerly Invitae), Labcorp
Classification: Uncertain significance. Last evaluated: 2024-08-24. Review status: criteria provided, single submitter. Criteria: Invitae Variant Classification Sherloc (09022015). Collection method: clinical testing. Allele origin: germline.
Comment: This sequence change replaces glutamine, which is neutral and polar, with arginine, which is basic and polar, at codon 7 of the PDE6B protein (p.Gln7Arg). This variant is present in population databases (rs769821115, gnomAD 0.01%). This variant has not been reported in the literature in individuals affected with PDE6B-related conditions. Invitae Evidence Modeling of protein sequence and biophysical properties (such as structural, functional, and spatial information, amino acid conservation, physicochemical variation, residue mobility, and thermodynamic stability) has been performed for this missense variant. However, the output from this modeling did not meet the statistical confidence thresholds required to predict the impact of this variant on PDE6B protein function. In summary, the available evidence is currently insufficient to determine the role of this variant in disease. Therefore, it has been classified as a Variant of Uncertain Significance.